The following is an entry in ClinVar:

NM_001148.6(ANK2):c.10697A>C (p.Gln3566Pro)

Gene: ANK2 (ankyrin 2; plus strand). Cytogenetic location: 4q26.
Variant type: single nucleotide variant.
Coding change: c.10697A>C on transcript NM_001148.6 (MANE Select); coding-DNA position 10697, A replaced by C.
Protein change: p.Gln3566Pro; replaces glutamine 3566 with proline.
Molecular consequence: missense variant.
Genome position (GRCh38, 1-based): chr4:113,360,838, A>C. VCF-style: chr4-113360838-A-C. GRCh37 (hg19) VCF-style: chr4-114281994-A-C.
Other names: c.4415A>C, p.Gln1472Pro (NM_001127493.3); c.4454A>C, p.Gln1485Pro (NM_001354225.2); c.4343A>C, p.Gln1448Pro (NM_001354228.2, NM_001354258.2); c.4421A>C, p.Gln1474Pro (NM_001354230.2); c.4484A>C, p.Gln1495Pro (NM_001354231.2, NM_001354242.2); c.4478A>C, p.Gln1493Pro (NM_001354232.2); c.4439A>C, p.Gln1480Pro (NM_001354235.2, NM_001354246.2, NM_001354265.2); c.4340A>C, p.Gln1447Pro (NM_001354236.2); and 35 more; short protein forms Q1381P, Q1386P, Q1429P, Q1448P, Q1476P, Q1493P, Q1500P, Q1507P.
Identifiers: ClinVar variation 2585796 (VCV002585796.2), dbSNP rs2096169607, ClinGen allele CA357941015.

ClinVar aggregate classification (germline): Uncertain significance (1 of 4 stars; one submission).

Conditions:
Cardiovascular phenotype. Identifiers: MedGen CN230736.

gnomAD v4.1: 1 of 1,612,648 alleles (0.000062%); no homozygotes.

Submission:

Ambry Genetics
Classification: Uncertain significance for Cardiovascular phenotype. Last evaluated: 2023-07-10. Review status: criteria provided, single submitter. Criteria: Ambry Variant Classification Scheme 2023. Collection method: clinical testing. Allele origin: germline.
Comment: The p.Q3566P variant (also known as c.10697A>C), located in coding exon 39 of the ANK2 gene, results from an A to C substitution at nucleotide position 10697. The glutamine at codon 3566 is replaced by proline, an amino acid with similar properties. This amino acid position is conserved. In addition, the in silico prediction for this alteration is inconclusive. Since supporting evidence is limited at this time, the clinical significance of this alteration remains unclear.